The following is an entry in ClinVar:

NM_015213.4(DENND5A):c.2093G>A (p.Arg698Gln)

Genes: DENND5A (DENN domain containing 5A; minus strand), LOC126861134 (CDK7 strongly-dependent group 2 enhancer GRCh37_chr11:9190693-9191892; plus strand). Cytogenetic location: 11p15.4.
Variant type: single nucleotide variant.
Coding change: c.2093G>A on transcript NM_015213.4 (MANE Select); coding-DNA position 2093, G replaced by A.
Protein change: p.Arg698Gln; replaces arginine 698 with glutamine.
Molecular consequence: missense variant. On other transcripts: non-coding transcript variant (1).
Genome position (GRCh38, 1-based): chr11:9,169,914, C>T on the plus strand (G>A on the coding strand, the complement: DENND5A is on the minus strand). VCF-style: chr11-9169914-C-T. GRCh37 (hg19) VCF-style: chr11-9191461-C-T.
Other names: c.2093G>A, p.Arg698Gln (NM_001243254.2, NM_001348748.1); c.2021G>A, p.Arg674Gln (NM_001348749.2); c.1805G>A, p.Arg602Gln (NM_001348750.2); c.2093G>A (NM_015213.3); short protein forms R674Q, R602Q, R698Q.
Identifiers: ClinVar variation 2191344 (VCV002191344.5), dbSNP rs150663913, ClinGen allele CA5877436.
Genomic context (GRCh38, chr11:9,169,914, plus strand): 5'-ACCTCCCTCTGGTCATTATCTAAACGCAGGTGTTCTGTGTGCTGCTTCTGCCGATCTTTC[C>T]GCCTCCACTGGGCAGGGGCATTCCTTTTCGTCCACCTAACACAATCAGAACCAAAGCAGG-3'
Protein context (NP_056028.2, residues 688-708): TKRNAPAQWR[Arg698Gln]KDRQKQHTEH

ClinVar aggregate classification (germline): Uncertain significance. Review status: criteria provided, multiple submitters, no conflicts (2 of 4 stars). 2 submissions from 2 submitters: Uncertain significance (2). Last evaluated 2025-04-27.

Conditions:
Inborn genetic diseases. Identifiers: MedGen C0950123, MeSH D030342.

gnomAD v4.1: 25 of 1,613,716 alleles (0.0015%); highest among the groups gnomAD compares: Non-Finnish European, 0.0018%; no homozygotes.

Submissions (2):

Labcorp Genetics (formerly Invitae), Labcorp
Classification: Uncertain significance. Last evaluated: 2025-04-27. Review status: criteria provided, single submitter. Criteria: Invitae Variant Classification Sherloc (09022015). Collection method: clinical testing. Allele origin: germline.
Comment: This sequence change replaces arginine, which is basic and polar, with glutamine, which is neutral and polar, at codon 698 of the DENND5A protein (p.Arg698Gln). This variant is present in population databases (rs150663913, gnomAD 0.003%). This variant has not been reported in the literature in individuals affected with DENND5A-related conditions. ClinVar contains an entry for this variant (Variation ID: 2191344). Invitae Evidence Modeling of protein sequence and biophysical properties (such as structural, functional, and spatial information, amino acid conservation, physicochemical variation, residue mobility, and thermodynamic stability) indicates that this missense variant is not expected to disrupt DENND5A protein function with a negative predictive value of 80%. In summary, the available evidence is currently insufficient to determine the role of this variant in disease. Therefore, it has been classified as a Variant of Uncertain Significance.

Ambry Genetics
Classification: Uncertain significance for Inborn genetic diseases. Last evaluated: 2021-04-28. Review status: criteria provided, single submitter. Criteria: Ambry Variant Classification Scheme 2023. Collection method: clinical testing. Allele origin: germline.